The following is an entry in ClinVar:

ClinVar aggregate classification (germline): Uncertain significance. Review status: criteria provided, multiple submitters, no conflicts (2 of 4 stars). 3 submissions from 3 submitters: Uncertain significance (3). Last evaluated 2025-11-13.

Conditions:
Inborn genetic diseases. Identifiers: MedGen C0950123, MeSH D030342.
Ellis-van Creveld syndrome (EVC). Also called: EVC-Related Ellis-van Creveld Syndrome; EVC2-Related Ellis-van Creveld Syndrome; MESOECTODERMAL DYSPLASIA; Chondroectodermal dysplasia. Identifiers: Orphanet 289, MedGen C0013903, MONDO:0009162, OMIM 225500.
Curry-Hall syndrome (WAD). Also called: WEYERS ACRODENTAL DYSOSTOSIS. Identifiers: Orphanet 952, MedGen C0457013, MONDO:0008673, OMIM 193530.

Submissions (3):

Ambry Genetics
Classification: Uncertain significance for Inborn genetic diseases. Last evaluated: 2025-11-13. Review status: criteria provided, single submitter. Criteria: Ambry Variant Classification Scheme 2023. Collection method: clinical testing. Allele origin: germline.

Labcorp Genetics (formerly Invitae), Labcorp
Classification: Uncertain significance for Curry-Hall syndrome; Ellis-van Creveld syndrome. Last evaluated: 2024-07-22. Review status: criteria provided, single submitter. Criteria: Invitae Variant Classification Sherloc (09022015). Collection method: clinical testing. Allele origin: germline.
Comment: This sequence change replaces glutamine, which is neutral and polar, with glutamic acid, which is acidic and polar, at codon 589 of the EVC protein (p.Gln589Glu). This variant is not present in population databases (gnomAD no frequency). This variant has not been reported in the literature in individuals affected with EVC-related conditions. ClinVar contains an entry for this variant (Variation ID: 906797). Advanced modeling of protein sequence and biophysical properties (such as structural, functional, and spatial information, amino acid conservation, physicochemical variation, residue mobility, and thermodynamic stability) performed at Invitae indicates that this missense variant is not expected to disrupt EVC protein function with a negative predictive value of 80%. In summary, the available evidence is currently insufficient to determine the role of this variant in disease. Therefore, it has been classified as a Variant of Uncertain Significance.

Illumina Laboratory Services, Illumina
Classification: Uncertain significance for Ellis-van Creveld syndrome. Last evaluated: 2018-01-12. Review status: criteria provided, single submitter. Criteria: ICSL Variant Classification Criteria 13 December 2019. Collection method: clinical testing. Allele origin: germline.

NM_153717.3(EVC):c.1765C>G (p.Gln589Glu)

Gene: EVC (EvC ciliary complex subunit 1; plus strand). Cytogenetic location: 4p16.2.
Variant type: single nucleotide variant.
Coding change: c.1765C>G on transcript NM_153717.3 (MANE Select); coding-DNA position 1765, C replaced by G.
Protein change: p.Gln589Glu; replaces glutamine 589 with glutamic acid.
Molecular consequence: missense variant.
Genome position (GRCh38, 1-based): chr4:5,783,753, C>G. VCF-style: chr4-5783753-C-G. GRCh37 (hg19) VCF-style: chr4-5785480-C-G.
Other names: c.1765C>G, p.Gln589Glu (NM_001306090.2); short protein forms Q589E.
Identifiers: ClinVar variation 906797 (VCV000906797.8), dbSNP rs1736003818, ClinGen allele CA356161539.